The following is an entry in ClinVar:

ClinVar aggregate classification (germline): Pathogenic/Likely pathogenic. Review status: criteria provided, multiple submitters, no conflicts (2 of 4 stars). 3 submissions from 3 submitters: Pathogenic (2); Likely pathogenic (1). Last evaluated 2025-10-16.

Conditions:
Spongy degeneration of central nervous system. Also called: ACY2 DEFICIENCY; AMINOACYLASE 2 DEFICIENCY; ASP DEFICIENCY; ASPA DEFICIENCY; ASPARTOACYLASE DEFICIENCY; CANAVAN-VAN BOGAERT-BERTRAND DISEASE. Identifiers: Orphanet 141, MedGen C0206307, MONDO:0010079, OMIM 271900.
Inborn genetic diseases. Identifiers: MedGen C0950123, MeSH D030342.

Allele frequency attached by ClinVar (database versions not stated): TOPMed below 0.00001; gnomAD exomes below 0.00001.

Submissions (3):

Otogenetics
Classification: Pathogenic for Spongy degeneration of central nervous system. Last evaluated: 2025-10-16. Review status: criteria provided, single submitter. Criteria: ACMG Guidelines, 2015. Collection method: clinical testing. Allele origin: germline.
Comment: PVS1: Frameshift indel introduces premature stop codon in gene with loss of function as mechanism of disease, predicted to undergo NMD; PM2: Variant not observed in gnomAD (<0.188% threshold); PP3: In-silico models predict deleterious effect (MutationTaster = 1, SIFT = 0.858)

Natera, Inc.
Classification: Likely pathogenic for Canavan Disease. Last evaluated: 2025-09-29. Review status: criteria provided, single submitter. Criteria: Natera Variant Classification Schema (03/2026). Collection method: clinical testing. Allele origin: germline.
Comment: The c.358_361delTCTA variant in ASPA is a frameshift variant predicted to shift the reading frame beginning at codon 120 and leads to a stop codon 16 codons downstream. This variant is expected to result in nonsense mediated decay, truncation, or a dysfunctional protein product. This variant is rare in the general population with a frequency below the threshold expected for the associated phenotype(s). Given the available evidence, this variant is classified as Likely Pathogenic.

Ambry Genetics
Classification: Pathogenic for Inborn genetic diseases. Last evaluated: 2015-09-01. Review status: criteria provided, single submitter. Criteria: Ambry Variant Classification Scheme 2023. Collection method: clinical testing. Allele origin: germline.
Comment: The c.358_361delTCTA pathogenic mutation, located in coding exon 2 of the ASPA gene, results from a deletion of 4 nucleotides between positions 358 and 361, causing a translational frameshift with a predicted alternate stop codon. Since frameshifts are typically deleterious in nature, this alteration is interpreted as a disease-causing mutation (ACMG Recommendations for Standards for Interpretation and Reporting of Sequence Variations. Revision 2007. Genet Med. 2008;10:294).

NM_000049.4(ASPA):c.358_361del (p.Ser120fs)

Genes: ASPA (aspartoacylase; plus strand), SPATA22 (spermatogenesis associated 22; minus strand). Cytogenetic location: 17p13.2.
Variant type: Deletion.
Coding change: c.358_361del on transcript NM_000049.4 (MANE Select); coding-DNA positions 358 to 361, 4 bases deleted (TCTA; older notation c.358_361delTCTA).
Protein change: p.Ser120fs; shifts the reading frame from serine 120.
Molecular consequence: frameshift variant. On other transcripts: intron variant (2).
Genome position (GRCh38, 1-based): chr17:3,481,724-3,481,727, TCTA deleted. VCF-style (leftmost placement, unchanged base first): chr17-3481723-CTCTA-C. GRCh37 (hg19) VCF-style: chr17-3385017-CTCTA-C.
Other names: c.358_361delTCTA (NM_000049.4); c.358_361del, p.Ser120fs (NM_001128085.1); c.-73-12329_-73-12326del (NM_001321336.2, NM_001321337.2); short protein forms S120fs.
Identifiers: ClinVar variation 1732890 (VCV001732890.5), dbSNP rs2073633067, ClinGen allele CA2243882566.
Genomic context (GRCh38, chr17:3,481,723, plus strand): 5'-ATTTGGTCCAAAAGACAGTGAAGATTCCTATGACATTATTTTTGACCTTCACAACACCAC[CTCTA>C]ACATGGGGTGCACTCTTATTCTTGAGGATTCCAGGAATAACTTTTTAATTCAGATGTTTC-3'